The following is an entry in ClinVar:

NM_003872.3(NRP2):c.60G>A (p.Val20=)

Gene: NRP2 (neuropilin 2; plus strand). Cytogenetic location: 2q33.3.
Variant type: single nucleotide variant.
Coding change: c.60G>A on transcript NM_003872.3 (MANE Select); coding-DNA position 60, G replaced by A.
Protein change: p.Val20=; no amino-acid change (valine 20 retained).
Molecular consequence: synonymous variant.
Genome position (GRCh38, 1-based): chr2:205,683,350, G>A. VCF-style: chr2-205683350-G-A. GRCh37 (hg19) VCF-style: chr2-206548074-G-A.
Other names: c.60G>A, p.Val20= (NM_018534.4, NM_201264.2, NM_201266.2 and 2 more transcripts).
Identifiers: ClinVar variation 3354270 (VCV003354270.1).
Genomic context (GRCh38, chr2:205,683,350, plus strand): 5'-AATGGATATGTTTCCTCTCACCTGGGTTTTCTTAGCCCTCTACTTTTCAAGACACCAAGT[G>A]AGAGGCCAACCAGGTAAGCCACTGAAAGTTTTTCTATTTATTGCAACATGGTTTCCCCTT-3'
Protein context (NP_003863.2, residues 10-30): FLALYFSRHQ[Val20=]RGQPDPPCGG

ClinVar aggregate classification (germline): Likely benign (0 of 4 stars; one submission).

Conditions:
NRP2-related disorder. Also called: NRP2-related condition.

gnomAD v4.1: 3 of 1,613,314 alleles (0.00019%); highest among the groups gnomAD compares: East Asian, 0.0045%; no homozygotes.

Submission:

PreventionGenetics, part of Exact Sciences
Classification: Likely benign for NRP2-related condition. Last evaluated: 2022-05-06. Review status: no assertion criteria provided. Collection method: clinical testing. Allele origin: germline.
Comment: This variant is classified as likely benign based on ACMG/AMP sequence variant interpretation guidelines (Richards et al. 2015 PMID: 25741868, with internal and published modifications).